The following is an entry in ClinVar:

ClinVar aggregate classification (germline): Uncertain significance (1 of 4 stars; one submission).

Submission:

Labcorp Genetics (formerly Invitae), Labcorp
Classification: Uncertain significance. Last evaluated: 2024-04-16. Review status: criteria provided, single submitter. Criteria: Invitae Variant Classification Sherloc (09022015). Collection method: clinical testing. Allele origin: germline.
Comment: This sequence change replaces isoleucine, which is neutral and non-polar, with methionine, which is neutral and non-polar, at codon 177 of the SKIV2L protein (p.Ile177Met). This variant is not present in population databases (gnomAD no frequency). This variant has not been reported in the literature in individuals affected with SKIV2L-related conditions. ClinVar contains an entry for this variant (Variation ID: 2050880). An algorithm developed to predict the effect of missense changes on protein structure and function (PolyPhen-2) suggests that this variant is likely to be tolerated. In summary, the available evidence is currently insufficient to determine the role of this variant in disease. Therefore, it has been classified as a Variant of Uncertain Significance.

NM_006929.5(SKIC2):c.531A>G (p.Ile177Met)

Gene: SKIC2 (SKI2 subunit of superkiller complex; plus strand). Cytogenetic location: 6p21.33.
Variant type: single nucleotide variant.
Coding change: c.531A>G on transcript NM_006929.5 (MANE Select); coding-DNA position 531, A replaced by G.
Protein change: p.Ile177Met; replaces isoleucine 177 with methionine.
Molecular consequence: missense variant.
Genome position (GRCh38, 1-based): chr6:31,960,727, A>G. VCF-style: chr6-31960727-A-G. GRCh37 (hg19) VCF-style: chr6-31928504-A-G.
Other names: short protein forms I177M.
Identifiers: ClinVar variation 2050880 (VCV002050880.3), dbSNP rs1772435812, ClinGen allele CA363440800.